The following is an entry in ClinVar:

NM_001369.3(DNAH5):c.12479_12488del (p.Gly4160fs)

Gene: DNAH5 (dynein axonemal heavy chain 5; minus strand). Cytogenetic location: 5p15.2.
Variant type: Deletion.
Coding change: c.12479_12488del on transcript NM_001369.3 (MANE Select); coding-DNA positions 12479 to 12488, 10 bases deleted (GACTGAAAAG; older notation c.12479_12488delGACTGAAAAG).
Protein change: p.Gly4160fs; shifts the reading frame from glycine 4160.
Molecular consequence: frameshift variant.
Genome position (GRCh38, 1-based): chr5:13,718,893-13,718,902, CTTTTCAGTC deleted on the plus strand (GACTGAAAAG on the coding strand, the reverse complement: DNAH5 is on the minus strand); deleting any 10 consecutive bases within chr5:13,718,893-13,718,904 gives the same sequence; the c. name uses the placement nearest the transcript's 3' end. VCF-style (leftmost placement, unchanged base first): chr5-13718892-TCTTTTCAGTC-T. GRCh37 (hg19) VCF-style: chr5-13719001-TCTTTTCAGTC-T.
Other names: short protein forms G4160fs.
Identifiers: ClinVar variation 5012623 (VCV005012623.1).

ClinVar aggregate classification (germline): Pathogenic (1 of 4 stars; one submission).

Conditions:
Primary ciliary dyskinesia 3. Identifiers: Orphanet 244, MedGen C1837618, MONDO:0012085, OMIM 608644.

Submission:

Myriad Genetics, Inc.
Classification: Pathogenic for Primary ciliary dyskinesia 3. Last evaluated: 2023-12-31. Review status: criteria provided, single submitter. Criteria: Myriad Autosomal Dominant, Autosomal Recessive and X-Linked Classification Criteria (2023). Collection method: clinical testing. Allele origin: unknown.
Comment: NM_001369.2(DNAH5):c.12479_12488del10(G4160Efs*13) is expected to be pathogenic in the context of primary ciliary dyskinesia, DNAH5-related. This variant is predicted to lead to an abnormal or absent protein product due to the creation of a premature termination codon in DNAH5, a gene where loss-of-function variants are known to be pathogenic. Please note: this variant was assessed in the context of healthy population screening.